The following is an entry in ClinVar:

NM_024675.4(PALB2):c.1316G>A (p.Gly439Glu)

Gene: PALB2 (partner and localizer of BRCA2; minus strand). Cytogenetic location: 16p12.2.
Variant type: single nucleotide variant.
Coding change: c.1316G>A on transcript NM_024675.4 (MANE Select); coding-DNA position 1316, G replaced by A.
Protein change: p.Gly439Glu; replaces glycine 439 with glutamic acid.
Molecular consequence: missense variant.
Genome position (GRCh38, 1-based): chr16:23,635,230, C>T on the plus strand (G>A on the coding strand, the complement: PALB2 is on the minus strand). VCF-style: chr16-23635230-C-T. GRCh37 (hg19) VCF-style: chr16-23646551-C-T.
Other names: short protein forms G439E.
Identifiers: ClinVar variation 1015637 (VCV001015637.11), dbSNP rs537258442, ClinGen allele CA395132362.
Genomic context (GRCh38, chr16:23,635,230, plus strand): 5'-TCAGTTTCCTCATTGGAAAGGTTTAAATTTTTACTTGCATCCTTATTTTTATTTTTAAAC[C>T]CTTTTTTCTTGACATCCAAATGACTCTGAATGACAGCCTCCACGGCTACTTTCCTCTGGC-3'
Protein context (NP_078951.2, residues 429-449): IQSHLDVKKK[Gly439Glu]FKNKNKDASK

ClinVar aggregate classification (germline): Uncertain significance. Review status: criteria provided, multiple submitters, no conflicts (2 of 4 stars). 3 submissions from 3 submitters: Uncertain significance (3). Last evaluated 2025-05-05.

Conditions:
Hereditary cancer-predisposing syndrome. Also called: Hereditary Cancer Syndrome; Tumor predisposition; Neoplastic Syndromes, Hereditary; Hereditary neoplastic syndrome. Identifiers: Orphanet 140162, MedGen C0027672, MeSH D009386, MONDO:0015356.
Familial cancer of breast. Also called: BREAST CANCER, FAMILIAL; Hereditary breast cancer; hereditary breast carcinoma. Identifiers: Orphanet 227535, MedGen C0346153, MONDO:0016419, OMIM 114480. Disease mechanism: loss of function.

Submissions (3):

Labcorp Genetics (formerly Invitae), Labcorp
Classification: Uncertain significance for Familial cancer of breast. Last evaluated: 2025-05-05. Review status: criteria provided, single submitter. Criteria: Invitae Variant Classification Sherloc (09022015). Collection method: clinical testing. Allele origin: germline.
Comment: This sequence change replaces glycine, which is neutral and non-polar, with glutamic acid, which is acidic and polar, at codon 439 of the PALB2 protein (p.Gly439Glu). This variant is not present in population databases (gnomAD no frequency). This variant has not been reported in the literature in individuals affected with PALB2-related conditions. ClinVar contains an entry for this variant (Variation ID: 1015637). Invitae Evidence Modeling of protein sequence and biophysical properties (such as structural, functional, and spatial information, amino acid conservation, physicochemical variation, residue mobility, and thermodynamic stability) indicates that this missense variant is not expected to disrupt PALB2 protein function with a negative predictive value of 80%. In summary, the available evidence is currently insufficient to determine the role of this variant in disease. Therefore, it has been classified as a Variant of Uncertain Significance.

Ambry Genetics
Classification: Uncertain significance for Hereditary cancer-predisposing syndrome. Last evaluated: 2023-08-30. Review status: criteria provided, single submitter. Criteria: Ambry Variant Classification Scheme 2023. Collection method: clinical testing. Allele origin: germline.
Comment: The p.G439E variant (also known as c.1316G>A), located in coding exon 4 of the PALB2 gene, results from a G to A substitution at nucleotide position 1316. The glycine at codon 439 is replaced by glutamic acid, an amino acid with similar properties. This amino acid position is not well conserved in available vertebrate species. In addition, this alteration is predicted to be tolerated by in silico analysis. Since supporting evidence is limited at this time, the clinical significance of this alteration remains unclear.

GeneDx
Classification: Uncertain significance. Last evaluated: 2019-11-13. Review status: criteria provided, single submitter. Criteria: GeneDx Variant Classification Process June 2021. Collection method: clinical testing. Allele origin: germline. Affected: yes.
Comment: Not observed in large population cohorts (Lek 2016); In silico analysis, which includes protein predictors and evolutionary conservation, supports a deleterious effect; Has not been previously published as pathogenic or benign to our knowledge